The following is an entry in ClinVar:

ClinVar aggregate classification (germline): Uncertain significance (1 of 4 stars; one submission).

Allele frequency attached by ClinVar (database versions not stated): gnomAD exomes below 0.00001.
gnomAD v4.1: 4 of 1,613,866 alleles (0.00025%); highest among the groups gnomAD compares: Non-Finnish European, 0.00034%; no homozygotes.

Submission:

Ambry Genetics
Classification: Uncertain significance. Last evaluated: 2022-05-18. Review status: criteria provided, single submitter. Criteria: Ambry Variant Classification Scheme 2023. Collection method: clinical testing. Allele origin: germline.
Comment: The p.A2121D variant (also known as c.6362C>A), located in coding exon 20 of the POLQ gene, results from a C to A substitution at nucleotide position 6362. The alanine at codon 2121 is replaced by aspartic acid, an amino acid with dissimilar properties. This amino acid position is conserved. In addition, the in silico prediction for this alteration is inconclusive. Since supporting evidence is limited at this time, the clinical significance of this alteration remains unclear.

NM_199420.4(POLQ):c.6362C>A (p.Ala2121Asp)

Gene: POLQ (DNA polymerase theta; minus strand). Cytogenetic location: 3q13.33.
Variant type: single nucleotide variant.
Coding change: c.6362C>A on transcript NM_199420.4 (MANE Select); coding-DNA position 6362, C replaced by A.
Protein change: p.Ala2121Asp; replaces alanine 2121 with aspartic acid.
Molecular consequence: missense variant.
Genome position (GRCh38, 1-based): chr3:121,476,583, G>T on the plus strand (C>A on the coding strand, the complement: POLQ is on the minus strand). VCF-style: chr3-121476583-G-T. GRCh37 (hg19) VCF-style: chr3-121195430-G-T.
Other names: short protein forms A2121D.
Identifiers: ClinVar variation 1753067 (VCV001753067.2), dbSNP rs1322493388, ClinGen allele CA354086863.